The following is an entry in ClinVar:

ClinVar aggregate classification (germline): Likely pathogenic (1 of 4 stars; one submission).

Conditions:
Autosomal dominant familial hematuria-retinal arteriolar tortuosity-contractures syndrome. Also called: Angiopathy, hereditary, with nephropathy, aneurysms, and muscle cramps; Hereditary Angiopathy with Nephropathy, Aneurysms, and Muscle Cramps (HANAC) Syndrome. Identifiers: Orphanet 73229, MedGen C2673195, MONDO:0012726, OMIM 611773.

Submission:

MVZ Medizinische Genetik Mainz
Classification: Likely pathogenic for Autosomal dominant familial hematuria-retinal arteriolar tortuosity-contractures syndrome. Last evaluated: 2025-03-31. Review status: criteria provided, single submitter. Criteria: UK Practice Guidelines For Variant Classification V4 01 2020. Collection method: clinical testing. Allele origin: germline. Inheritance: Autosomal dominant inheritance. Affected: yes. Observed: 1 variant allele.
Comment: ACMG Criteria: PVS1,PM2_SUP

NM_001845.6(COL4A1):c.4786dup (p.Gln1596fs)

Gene: COL4A1 (collagen type IV alpha 1 chain; minus strand). Cytogenetic location: 13q34.
Variant type: Duplication.
Coding change: c.4786dup on transcript NM_001845.6 (MANE Select); coding-DNA position 4786, one base duplicated (C; older notation c.4786dupC).
Protein change: p.Gln1596fs; shifts the reading frame from glutamine 1596.
Molecular consequence: frameshift variant.
Genome position (GRCh38, 1-based): chr13:110,152,476, G duplicated on the plus strand (C on the coding strand, the reverse complement: COL4A1 is on the minus strand); the first of 2 consecutive G bases (chr13:110,152,476-110,152,477); duplicating either gives the same sequence. VCF-style (leftmost placement, unchanged base first): chr13-110152475-T-TG. GRCh37 (hg19) VCF-style: chr13-110804822-T-TG.
Other names: short protein forms Q1596fs.
Identifiers: ClinVar variation 3894583 (VCV003894583.1).